The following is an entry in ClinVar:

NM_015335.5(MED13L):c.7G>A (p.Ala3Thr)

Gene: MED13L (mediator complex subunit 13L; minus strand). Cytogenetic location: 12q24.21.
Variant type: single nucleotide variant.
Coding change: c.7G>A on transcript NM_015335.5 (MANE Select); coding-DNA position 7, G replaced by A.
Protein change: p.Ala3Thr; replaces alanine 3 with threonine.
Molecular consequence: missense variant.
Genome position (GRCh38, 1-based): chr12:116,277,125, C>T on the plus strand (G>A on the coding strand, the complement: MED13L is on the minus strand). VCF-style: chr12-116277125-C-T. GRCh37 (hg19) VCF-style: chr12-116714930-C-T.
Other names: short protein forms A3T.
Identifiers: ClinVar variation 2708376 (VCV002708376.3), dbSNP rs2500191685, ClinGen allele CA386928001.

ClinVar aggregate classification (germline): Uncertain significance (1 of 4 stars; one submission).

Conditions:
Dextro-looped transposition of the great arteries. Also called: Dextrotransposition of the great arteries. Identifiers: Orphanet 860, MedGen C3531771, MONDO:0019443, OMIM 608808, HP:0031348.

gnomAD v4.1: 1 of 1,582,134 alleles (0.000063%); highest among the groups gnomAD compares: South Asian, 0.0012%; no homozygotes.

Submission:

Labcorp Genetics (formerly Invitae), Labcorp
Classification: Uncertain significance for Dextro-looped transposition of the great arteries. Last evaluated: 2025-02-24. Review status: criteria provided, single submitter. Criteria: Invitae Variant Classification Sherloc (09022015). Collection method: clinical testing. Allele origin: germline.
Comment: This sequence change replaces alanine, which is neutral and non-polar, with threonine, which is neutral and polar, at codon 3 of the MED13L protein (p.Ala3Thr). This variant is not present in population databases (gnomAD no frequency). This variant has not been reported in the literature in individuals affected with MED13L-related conditions. ClinVar contains an entry for this variant (Variation ID: 2708376). Invitae Evidence Modeling of protein sequence and biophysical properties (such as structural, functional, and spatial information, amino acid conservation, physicochemical variation, residue mobility, and thermodynamic stability) indicates that this missense variant is not expected to disrupt MED13L protein function with a negative predictive value of 95%. In summary, the available evidence is currently insufficient to determine the role of this variant in disease. Therefore, it has been classified as a Variant of Uncertain Significance.